The following is an entry in ClinVar:

ClinVar aggregate classification (germline): Uncertain significance (0 of 4 stars; one submission).

Submission:

Richard Lifton Laboratory, Yale University School of Medicine
Classification: Uncertain significance. Review status: no assertion criteria provided. Collection method: not provided. Allele origin: somatic.
Comment: DLG5
ClinVar note: Converted during submission from unknown to Uncertain significance.

NM_004747.4(DLG5):c.5486A>C (p.His1829Pro)

Gene: DLG5 (discs large MAGUK scaffold protein 5; minus strand). Cytogenetic location: 10q22.3.
Variant type: single nucleotide variant.
Coding change: c.5486A>C on transcript NM_004747.4 (MANE Select); coding-DNA position 5486, A replaced by C.
Protein change: p.His1829Pro; replaces histidine 1829 with proline.
Molecular consequence: missense variant.
Genome position (GRCh38, 1-based): chr10:77,794,909, T>G on the plus strand (A>C on the coding strand, the complement: DLG5 is on the minus strand). VCF-style: chr10-77794909-T-G. GRCh37 (hg19) VCF-style: chr10-79554667-T-G.
Other names: short protein forms H1829P.
Identifiers: ClinVar variation 91960 (VCV000091960.2), dbSNP rs386352298, ClinGen allele CA232246.